The following is an entry in ClinVar:

NM_032861.4(SERAC1):c.660A>G (p.Gln220=)

Gene: SERAC1 (serine active site containing 1; minus strand). Cytogenetic location: 6q25.3.
Variant type: single nucleotide variant.
Coding change: c.660A>G on transcript NM_032861.4 (MANE Select); coding-DNA position 660, A replaced by G.
Protein change: p.Gln220=; no amino-acid change (glutamine 220 retained).
Molecular consequence: synonymous variant. On other transcripts: non-coding transcript variant (1).
Genome position (GRCh38, 1-based): chr6:158,143,134, T>C on the plus strand (A>G on the coding strand, the complement: SERAC1 is on the minus strand). VCF-style: chr6-158143134-T-C. GRCh37 (hg19) VCF-style: chr6-158564166-T-C.
Identifiers: ClinVar variation 540444 (VCV000540444.9), dbSNP rs776026202, ClinGen allele CA4071293.

ClinVar aggregate classification (germline): Likely benign. Review status: criteria provided, multiple submitters, no conflicts (2 of 4 stars). 3 submissions from 3 submitters: Likely benign (3). Last evaluated 2026-09-01.

Conditions:
SERAC1-related disorder. Also called: SERAC1-related condition; SERAC1-related disorders.
3-methylglutaconic aciduria with deafness, encephalopathy, and Leigh-like syndrome (MEGDEL). Also called: SERAC1 Deficiency; 3-METHYLGLUTACONIC ACIDURIA, TYPE VI; MEGDEL syndrome. Identifiers: Orphanet 352328, MedGen C4040739, MONDO:0013875, OMIM 614739.

Allele frequency attached by ClinVar (database versions not stated): gnomAD exomes 0.00001 and 0.00004; ExAC 0.00004; gnomAD 0.00004; TOPMed 0.00007.
gnomAD v4.1: 27 of 1,613,582 alleles (0.0017%); highest among the groups gnomAD compares: Admixed American, 0.033%; no homozygotes.

Submissions (3):

CeGaT Center for Human Genetics Tuebingen
Classification: Likely benign. Last evaluated: 2026-09-01. Review status: criteria provided, single submitter. Criteria: CeGaT Center For Human Genetics Tuebingen Variant Classification Criteria Version 2. Collection method: clinical testing. Allele origin: germline. Affected: yes. Observed: 1 variant allele.
Comment: SERAC1: BP4, BP7

PreventionGenetics, part of Exact Sciences
Classification: Likely benign for SERAC1-related condition. Last evaluated: 2026-05-28. Review status: criteria provided, single submitter. Criteria: ACMG Guidelines, 2015. Collection method: clinical testing. Allele origin: germline.
Comment: This variant is classified as likely benign based on ACMG/AMP sequence variant interpretation guidelines (Richards et al. 2015 PMID: 25741868, with internal and published modifications).

Labcorp Genetics (formerly Invitae), Labcorp
Classification: Likely benign for 3-methylglutaconic aciduria with deafness, encephalopathy, and Leigh-like syndrome. Last evaluated: 2025-11-28. Review status: criteria provided, single submitter. Criteria: Invitae Variant Classification Sherloc (09022015). Collection method: clinical testing. Allele origin: germline.